The following is an entry in ClinVar:

NM_002470.4(MYH3):c.2981C>T (p.Thr994Ile)

Gene: MYH3 (myosin heavy chain 3; minus strand). Cytogenetic location: 17p13.1.
Variant type: single nucleotide variant.
Coding change: c.2981C>T on transcript NM_002470.4 (MANE Select); coding-DNA position 2981, C replaced by T.
Protein change: p.Thr994Ile; replaces threonine 994 with isoleucine.
Molecular consequence: missense variant.
Genome position (GRCh38, 1-based): chr17:10,639,419, G>A on the plus strand (C>T on the coding strand, the complement: MYH3 is on the minus strand). VCF-style: chr17-10639419-G-A. GRCh37 (hg19) VCF-style: chr17-10542736-G-A.
Other names: short protein forms T994I.
Identifiers: ClinVar variation 2066366 (VCV002066366.4), dbSNP rs781677634, ClinGen allele CA8392642.

ClinVar aggregate classification (germline): Uncertain significance (1 of 4 stars; one submission).

Allele frequency attached by ClinVar (database versions not stated): ExAC 0.00002; gnomAD exomes 0.00002.
gnomAD v4.1: 26 of 1,614,014 alleles (0.0016%); highest among the groups gnomAD compares: South Asian, 0.019%; no homozygotes.

Submission:

Labcorp Genetics (formerly Invitae), Labcorp
Classification: Uncertain significance. Last evaluated: 2023-01-13. Review status: criteria provided, single submitter. Criteria: Invitae Variant Classification Sherloc (09022015). Collection method: clinical testing. Allele origin: germline.
Comment: In summary, the available evidence is currently insufficient to determine the role of this variant in disease. Therefore, it has been classified as a Variant of Uncertain Significance. Advanced modeling of protein sequence and biophysical properties (such as structural, functional, and spatial information, amino acid conservation, physicochemical variation, residue mobility, and thermodynamic stability) performed at Invitae indicates that this missense variant is not expected to disrupt MYH3 protein function. This variant has not been reported in the literature in individuals affected with MYH3-related conditions. This variant is present in population databases (rs781677634, gnomAD 0.02%). This sequence change replaces threonine, which is neutral and polar, with isoleucine, which is neutral and non-polar, at codon 994 of the MYH3 protein (p.Thr994Ile).